The following is an entry in ClinVar:

NM_001130987.2(DYSF):c.4859G>A (p.Arg1620His)

Gene: DYSF (dysferlin; plus strand). Cytogenetic location: 2p13.2.
Variant type: single nucleotide variant.
Coding change: c.4859G>A on transcript NM_001130987.2 (MANE Select); coding-DNA position 4859, G replaced by A.
Protein change: p.Arg1620His; replaces arginine 1620 with histidine.
Molecular consequence: missense variant.
Genome position (GRCh38, 1-based): chr2:71,658,981, G>A. VCF-style: chr2-71658981-G-A. GRCh37 (hg19) VCF-style: chr2-71886111-G-A.
Other names: NM_001130987.2(DYSF):c.4859G>A; p.Arg1620His; c.4745G>A, p.Arg1582His (NM_001130455.2); c.4700G>A, p.Arg1567His (NM_001130976.2); c.4763G>A, p.Arg1588His (NM_001130977.2); c.4805G>A, p.Arg1602His (NM_001130978.2); c.4835G>A, p.Arg1612His (NM_001130979.2); c.4793G>A, p.Arg1598His (NM_001130980.2); and 7 more; short protein forms R1581H, R1602H, R1620H, R1588H, R1612H, R1613H, R1567H, R1589H.
Identifiers: ClinVar variation 94329 (VCV000094329.60), dbSNP rs185596534, ClinGen allele CA222172.

ClinVar aggregate classification (germline): Benign. Review status: reviewed by expert panel (3 of 4 stars). 11 submissions from 11 submitters: Benign (1). 10 of the submissions do not count toward it. Last evaluated 2025-10-30.

Conditions:
DYSF-related disorder. Also called: DYSF-related disorders; DYSF-related condition.
Autosomal recessive limb-girdle muscular dystrophy. Identifiers: Orphanet 102015, MedGen C2931907, MONDO:0015152.
Neuromuscular disease caused by qualitative or quantitative defects of dysferlin. Also called: Qualitative or quantitative defects of dysferlin; Dysferlinopathy. Identifiers: Orphanet 207073, MedGen C2931687, MONDO:0016145.

Allele frequency attached by ClinVar (database versions not stated): ESP Exome Variant Server 0.00031; ExAC 0.00053; 1000 Genomes Project 0.00100; 1000 Genomes Project 30x 0.00109; TOPMed 0.00077; gnomAD 0.00050 and 0.00072; gnomAD exomes 0.00056.
gnomAD v4.1: 1,192 of 1,614,104 alleles (0.074%); highest among the groups gnomAD compares: East Asian, 0.57%; no homozygotes.

Submissions (11):

ClinGen Limb Girdle Muscular Dystrophy Variant Curation Expert Panel, ClinGen
Classification: Benign for Autosomal recessive limb-girdle muscular dystrophy. Last evaluated: 2025-10-30. Review status: reviewed by expert panel. Criteria: ClinGen LGMD VCEP ACMG Specifications DYSF V2.0.0. Collection method: curation. Allele origin: germline. Inheritance: Autosomal recessive inheritance.
Comment: The NM_003494.4: c.4742G>A variant in DYSF, which is also known as NM_001130987.2: c.4859G>A (p.Arg1620His), is a missense variant predicted to cause substitution of arginine to histidine at amino acid 1581, p.(Arg1581His). The filtering allele frequency of this variant is 0.005130 (the lower threshold of the 95% CI of 256/44880 chromosomes) in the East Asian population of gnomAD v4.1.0, which is greater than the ClinGen LGMD VCEP threshold >0.003 for BA1, meeting this criterion (BA1). While this variant has been identified in individuals with suspected LGMD (e.g., PMID: 25868377, 30107846, 30564623, 36983702, 36319958), in at least one individual two other presumed diagnostic DYSF variants were reported (LOVD Individual #00221717), and in several others a second presumed diagnostic DYSF variant was not identified. (PM3 not met) Immunofluorescence and 2-A assays of dysferlin membrane localization in HEK293T cells showed that the Arg1581His protein reached the cell membrane, indicating no significant impact on this aspect of protein function (PMID: 35028538; BS3 not met). The computational predictor REVEL gives a score of 0.686 (PP3 and BP4 not met). In summary, this variant is classified as Benign for autosomal recessive limb girdle muscular dystrophy based on the ACMG/AMP criteria applied, as specified by the ClinGen LGMD VCEP (LGMD VCEP specifications version 2.0.0; 10/30/2025): BA1.

CeGaT Center for Human Genetics Tuebingen
Classification: Uncertain significance. Last evaluated: 2026-08-01. Review status: criteria provided, single submitter. Criteria: CeGaT Center For Human Genetics Tuebingen Variant Classification Criteria Version 2. Collection method: clinical testing. Allele origin: germline. Affected: yes. Observed: 2 variant alleles. Not counted in ClinVar's aggregate classification.
Comment: DYSF: PM3, PM2:Supporting

Labcorp Genetics (formerly Invitae), Labcorp
Classification: Likely benign for Neuromuscular disease caused by qualitative or quantitative defects of dysferlin. Last evaluated: 2026-02-01. Review status: criteria provided, single submitter. Criteria: Invitae Variant Classification Sherloc (09022015). Collection method: clinical testing. Allele origin: germline. Not counted in ClinVar's aggregate classification.

Women's Health and Genetics/Laboratory Corporation of America, LabCorp
Classification: Likely benign. Last evaluated: 2025-11-03. Review status: criteria provided, single submitter. Criteria: LabCorp Variant Classification Summary - May 2015. Collection method: clinical testing. Allele origin: germline. Not counted in ClinVar's aggregate classification.
Comment: Variant summary: DYSF c.4742G>A (p.Arg1581His) results in a non-conservative amino acid change in the encoded protein sequence. Algorithms developed to predict the effect of missense changes on protein structure and function all suggest that this variant is likely to be disruptive. The variant allele was found at a frequency of 0.00056 in 251468 control chromosomes, predominantly at a frequency of 0.0034 within the East Asian subpopulation in the gnomAD database. The observed variant frequency within East Asian control individuals in the gnomAD database exceeds the estimated maximal expected allele frequency for disease-causing variants in DYSF. c.4742G>A has been observed in individuals affected with Autosomal Recessive Limb-Girdle Muscular Dystrophy, however in some cases its association with the disease is less clear due to the presence of other variants of uncertain significance in cis, a lack of variants detected in trans, or its presence in healthy controls (example Takahashi_2003, Shin_2015, Nallamilli_2018, Wang_2018, Invernizzi_2023, Bevilacqua_2024). These reports do not provide unequivocal conclusions about association of the variant with Limb-Girdle Muscular Dystrophy. To our knowledge, no experimental evidence demonstrating an impact on protein function has been reported. The following publications have been ascertained in the context of this evaluation (PMID: 39678382, 37510298, 30564623, 25868377, 12796534, 30107846). ClinVar contains an entry for this variant (Variation ID: 94329). Based on the evidence outlined above, the variant was classified as likely benign.

Blueprint Genetics
Classification: Uncertain significance. Last evaluated: 2024-10-18. Review status: criteria provided, single submitter. Criteria: ACMG Guidelines, 2015. Collection method: clinical testing. Allele origin: germline. Not counted in ClinVar's aggregate classification.

Mayo Clinic Laboratories, Mayo Clinic
Classification: Uncertain significance. Last evaluated: 2023-03-27. Review status: criteria provided, single submitter. Criteria: ACMG Guidelines, 2015. Collection method: clinical testing. Allele origin: germline. Observed: 1 variant allele. Not counted in ClinVar's aggregate classification.
Comment: BS1

GeneDx
Classification: Likely benign. Last evaluated: 2021-06-21. Review status: criteria provided, single submitter. Criteria: GeneDx Variant Classification Process June 2021. Collection method: clinical testing. Allele origin: germline. Affected: yes. Not counted in ClinVar's aggregate classification.
Comment: This variant is associated with the following publications: (PMID: 12796534, 25868377, 26077327, 17512949, 30564623, 24438169, 30107846)

Eurofins Ntd Llc (ga)
Classification: Uncertain significance. Last evaluated: 2018-04-04. Review status: criteria provided, single submitter. Criteria: EGL ClinVar v180209 classification definitions. Collection method: clinical testing. Allele origin: germline. Observed: 14 variant alleles, 14 heterozygotes. Not counted in ClinVar's aggregate classification.

Athena Diagnostics
Classification: Uncertain significance. Last evaluated: 2017-10-20. Review status: criteria provided, single submitter. Criteria: Athena Diagnostics Criteria. Collection method: clinical testing. Allele origin: germline. Not counted in ClinVar's aggregate classification.

Illumina Laboratory Services, Illumina
Classification: Uncertain significance for Qualitative or quantitative defects of dysferlin. Last evaluated: 2017-04-27. Review status: criteria provided, single submitter. Criteria: ICSL Variant Classification Criteria 13 December 2019. Collection method: clinical testing. Allele origin: germline. Not counted in ClinVar's aggregate classification.

PreventionGenetics, part of Exact Sciences
Classification: Likely benign for DYSF-related condition. Last evaluated: 2021-02-18. Review status: no assertion criteria provided. Collection method: clinical testing. Allele origin: germline. Not counted in ClinVar's aggregate classification.
Comment: This variant is classified as likely benign based on ACMG/AMP sequence variant interpretation guidelines (Richards et al. 2015 PMID: 25741868, with internal and published modifications).

Literature cited by the submitters: PubMed 30564623 (cited by Women's Health and Genetics/Laboratory Corporation of America, LabCorp and Mayo Clinic Laboratories, Mayo Clinic); PubMed 25868377 (cited by 3 submitters); PubMed 12796534 (cited by Women's Health and Genetics/Laboratory Corporation of America, LabCorp and Athena Diagnostics); PubMed 30107846 (cited by Women's Health and Genetics/Laboratory Corporation of America, LabCorp and Mayo Clinic Laboratories, Mayo Clinic); PubMed 37510298 (cited by Women's Health and Genetics/Laboratory Corporation of America, LabCorp); PubMed 39678382 (cited by Women's Health and Genetics/Laboratory Corporation of America, LabCorp); PubMed 34426522 (cited by Mayo Clinic Laboratories, Mayo Clinic); PubMed 25987458 (cited by Athena Diagnostics); PubMed 17512949 (cited by Athena Diagnostics); PubMed 26077327 (cited by Athena Diagnostics).